The following is an entry in ClinVar:

ClinVar aggregate classification (germline): Likely benign. Review status: criteria provided, single submitter (1 of 4 stars). 2 submissions from 2 submitters: Likely benign (1). 1 of the submissions does not count toward it. Last evaluated 2024-12-22.

Conditions:
RAI1-related disorder. Also called: RAI1-related condition.

gnomAD v4.1: 2 of 1,612,544 alleles (0.00012%); highest among the groups gnomAD compares: Admixed American, 0.0033%; no homozygotes.

Submissions (2):

Labcorp Genetics (formerly Invitae), Labcorp
Classification: Likely benign. Last evaluated: 2024-12-22. Review status: criteria provided, single submitter. Criteria: Invitae Variant Classification Sherloc (09022015). Collection method: clinical testing. Allele origin: germline.

PreventionGenetics, part of Exact Sciences
Classification: Likely benign for RAI1-related condition. Last evaluated: 2021-02-08. Review status: no assertion criteria provided. Collection method: clinical testing. Allele origin: germline. Not counted in ClinVar's aggregate classification.
Comment: This variant is classified as likely benign based on ACMG/AMP sequence variant interpretation guidelines (Richards et al. 2015 PMID: 25741868, with internal and published modifications).

NM_030665.4(RAI1):c.1500G>T (p.Pro500=)

Gene: RAI1 (retinoic acid induced 1; plus strand). Cytogenetic location: 17p11.2.
Variant type: single nucleotide variant.
Coding change: c.1500G>T on transcript NM_030665.4 (MANE Select); coding-DNA position 1500, G replaced by T.
Protein change: p.Pro500=; no amino-acid change (proline 500 retained).
Molecular consequence: synonymous variant.
Genome position (GRCh38, 1-based): chr17:17,794,448, G>T. VCF-style: chr17-17794448-G-T. GRCh37 (hg19) VCF-style: chr17-17697762-G-T.
Other names: c.1500G>T (NM_030665.3).
Identifiers: ClinVar variation 1569088 (VCV001569088.10), dbSNP rs115536854, ClinGen allele CA498423166.